The following is an entry in ClinVar:

ClinVar aggregate classification (germline): Uncertain significance. Review status: criteria provided, multiple submitters, no conflicts (2 of 4 stars). 5 submissions from 4 submitters: Uncertain significance (5). Last evaluated 2023-12-19.

Conditions:
Pierson syndrome. Also called: MICROCORIA-CONGENITAL NEPHROTIC SYNDROME. Identifiers: Orphanet 2670, MedGen C1836876, MONDO:0012184, OMIM 609049.
LAMB2-related infantile-onset nephrotic syndrome. Also called: Nephrotic Syndrome, type 5; NEPHROTIC SYNDROME, TYPE 5, WITHOUT OCULAR ABNORMALITIES; NEPHROTIC SYNDROME, TYPE 5, WITH OCULAR ABNORMALITIES. Identifiers: Orphanet 306507, MedGen C3280113, MONDO:0013621, OMIM 614199.
Inborn genetic diseases. Identifiers: MedGen C0950123, MeSH D030342.

Allele frequency attached by ClinVar (database versions not stated): gnomAD 0.00006; ESP Exome Variant Server 0.00008; TOPMed 0.00009.
gnomAD v4.1: 123 of 1,613,216 alleles (0.0076%); highest among the groups gnomAD compares: Non-Finnish European, 0.0097%; no homozygotes.

Submissions (5):

Ambry Genetics
Classification: Uncertain significance for Inborn genetic diseases. Last evaluated: 2023-12-19. Review status: criteria provided, single submitter. Criteria: Ambry Variant Classification Scheme 2023. Collection method: clinical testing. Allele origin: germline.

Labcorp Genetics (formerly Invitae), Labcorp
Classification: Uncertain significance for LAMB2-related infantile-onset nephrotic syndrome; Pierson syndrome. Last evaluated: 2022-07-12. Review status: criteria provided, single submitter. Criteria: Invitae Variant Classification Sherloc (09022015). Collection method: clinical testing. Allele origin: germline.
Comment: This sequence change replaces arginine, which is basic and polar, with serine, which is neutral and polar, at codon 584 of the LAMB2 protein (p.Arg584Ser). This variant is present in population databases (rs369408727, gnomAD 0.007%). This variant has not been reported in the literature in individuals affected with LAMB2-related conditions. ClinVar contains an entry for this variant (Variation ID: 574006). Algorithms developed to predict the effect of missense changes on protein structure and function (SIFT, PolyPhen-2, Align-GVGD) all suggest that this variant is likely to be disruptive. In summary, the available evidence is currently insufficient to determine the role of this variant in disease. Therefore, it has been classified as a Variant of Uncertain Significance.

Fulgent Genetics
Classification: Uncertain significance for Pierson syndrome; LAMB2-related infantile-onset nephrotic syndrome. Last evaluated: 2022-04-14. Review status: criteria provided, single submitter. Criteria: ACMG Guidelines, 2015. Collection method: clinical testing. Allele origin: unknown.

Illumina Laboratory Services, Illumina
Classification: Uncertain significance for LAMB2-related infantile-onset nephrotic syndrome. Last evaluated: 2017-04-28. Review status: criteria provided, single submitter. Criteria: ICSL Variant Classification Criteria 13 December 2019. Collection method: clinical testing. Allele origin: germline.

Illumina Laboratory Services, Illumina
Classification: Uncertain significance for Pierson syndrome. Last evaluated: 2017-04-28. Review status: criteria provided, single submitter. Criteria: ICSL Variant Classification Criteria 13 December 2019. Collection method: clinical testing. Allele origin: germline.

NM_002292.4(LAMB2):c.1750C>A (p.Arg584Ser)

Gene: LAMB2 (laminin subunit beta 2; minus strand). Cytogenetic location: 3p21.31.
Variant type: single nucleotide variant.
Coding change: c.1750C>A on transcript NM_002292.4 (MANE Select); coding-DNA position 1750, C replaced by A.
Protein change: p.Arg584Ser; replaces arginine 584 with serine.
Molecular consequence: missense variant.
Genome position (GRCh38, 1-based): chr3:49,128,801, G>T on the plus strand (C>A on the coding strand, the complement: LAMB2 is on the minus strand). VCF-style: chr3-49128801-G-T. GRCh37 (hg19) VCF-style: chr3-49166234-G-T.
Other names: short protein forms R584S.
Identifiers: ClinVar variation 574006 (VCV000574006.10), dbSNP rs369408727, ClinGen allele CA2394503.
Genomic context (GRCh38, chr3:49,128,801, plus strand): 5'-CCTGTAGCCGCACGAAGCCTGAGCCAGTCCAGGATGGAGTTTCCCCGGGGGTCACCAGGC[G>T]CTCCACCACATCGAGCACCTGGGAGATAATGCAGCCAGGGATGGAGGCTCAGGTGAGGCT-3'
Protein context (NP_002283.3, residues 574-594): TRGQVLDVVE[Arg584Ser]LVTPGETPSW